The following is an entry in ClinVar:

ClinVar aggregate classification (germline): Likely pathogenic (1 of 4 stars; one submission).

Conditions:
Nemaline myopathy 2 (NEM2). Also called: Nemaline myopathy 2, autosomal recessive. Identifiers: MedGen C1850569, MONDO:0009725, OMIM 256030.

Submission:

Labcorp Genetics (formerly Invitae), Labcorp
Classification: Likely pathogenic for Nemaline myopathy 2. Last evaluated: 2019-08-07. Review status: criteria provided, single submitter. Criteria: Invitae Variant Classification Sherloc (09022015). Collection method: clinical testing. Allele origin: germline.
Comment: In summary, the currently available evidence indicates that the variant is pathogenic, but additional data are needed to prove that conclusively. Therefore, this variant has been classified as Likely Pathogenic. Donor and acceptor splice site variants typically lead to a loss of protein function (PMID: 16199547), and loss-of-function variants in NEB are known to be pathogenic (PMID: 25205138). This variant has not been reported in the literature in individuals with NEB-related conditions. This variant is not present in population databases (ExAC no frequency). This sequence change affects a donor splice site in intron 10 of the NEB gene. It is expected to disrupt RNA splicing and likely results in an absent or disrupted protein product.

Literature cited by the submitters: PubMed 16199547; PubMed 25205138.

NM_001164508.2(NEB):c.822+1G>A

Gene: NEB (nebulin; minus strand). Cytogenetic location: 2q23.3.
Variant type: single nucleotide variant.
Coding change: c.822+1G>A on transcript NM_001164508.2 (MANE Select); the canonical splice donor site of the intron after coding-DNA position 822, G replaced by A.
Molecular consequence: splice donor variant.
Genome position (GRCh38, 1-based): chr2:151,717,415, C>T on the plus strand (G>A on the coding strand, the complement: NEB is on the minus strand). VCF-style: chr2-151717415-C-T. GRCh37 (hg19) VCF-style: chr2-152573929-C-T.
Other names: c.822+1G>A (NM_004543.5, NM_001164507.2, NM_001271208.2).
Identifiers: ClinVar variation 950916 (VCV000950916.8), dbSNP rs2099762097, ClinGen allele CA348788580.